The following is an entry in ClinVar:

NM_000018.4(ACADVL):c.1322G>A (p.Gly441Asp)

Gene: ACADVL (acyl-CoA dehydrogenase very long chain; plus strand). Cytogenetic location: 17p13.1.
Variant type: single nucleotide variant.
Coding change: c.1322G>A on transcript NM_000018.4 (MANE Select); coding-DNA position 1322, G replaced by A.
Protein change: p.Gly441Asp; replaces glycine 441 with aspartic acid.
Molecular consequence: missense variant.
Genome position (GRCh38, 1-based): chr17:7,223,865, G>A. VCF-style: chr17-7223865-G-A. GRCh37 (hg19) VCF-style: chr17-7127184-G-A.
Other names: G401D; NM_000018.4(ACADVL):c.1322G>A; c.1256G>A, p.Gly419Asp (NM_001033859.3); c.1391G>A, p.Gly464Asp (NM_001270447.2); c.1094G>A, p.Gly365Asp (NM_001270448.2); short protein forms G441D, G365D, G464D, G419D.
Identifiers: ClinVar variation 21016 (VCV000021016.45), dbSNP rs2309689, ClinGen allele CA220193.

ClinVar aggregate classification (germline): Pathogenic. Review status: reviewed by expert panel (3 of 4 stars). 17 submissions from 17 submitters: Pathogenic (1). 16 of the submissions do not count toward it. Last evaluated 2022-12-14.

Conditions:
ACADVL-related disorder. Also called: ACADVL-related condition.
Very long chain acyl-CoA dehydrogenase deficiency (ACADVLD). Also called: VLCAD Deficiency; Very Long-Chain Acyl-Coenzyme A Dehydrogenase Deficiency. Identifiers: Orphanet 26793, MedGen C3887523, MONDO:0008723, OMIM 201475.

Allele frequency attached by ClinVar (database versions not stated): TOPMed 0.00001; gnomAD 0.00002; ExAC 0.00001.
gnomAD v4.1: 41 of 1,613,922 alleles (0.0025%); highest among the groups gnomAD compares: Non-Finnish European, 0.0035%; no homozygotes.

Submissions 1 to 12 of 17:

ClinGen ACADVL Variant Curation Expert Panel, ClinGen
Classification: Pathogenic for Very long chain acyl-CoA dehydrogenase deficiency. Last evaluated: 2022-12-14. Review status: reviewed by expert panel. Criteria: clingen acadvl acmg specifications v1. Collection method: curation. Allele origin: germline. Inheritance: Autosomal recessive inheritance.
Comment: The c.1322G>A (p.Gly441Asp) variant in ACADVL is a missense variant predicted to cause substitution of glycine by aspartic acid at amino acid 441. At least two individuals with this variant displayed VLCAD enzyme activity <20% of normal, which is highly specific for very long chain acyl CoA dehydrogenase (VLCAD) deficiency (PP4_Moderate; PMID: 25834949). The variant has been described in the homozygous state in at least 4 affected individuals, confirmed in trans to a pathogenic variant in at least one individual, and in at least one individual with a distinct pathogenic variant without determination of phase of the variants (PM3_Strong; PMIDs: 1648817, 17999356, 24305961, 30194637, 32061778). The highest population minor allele frequency in gnomAD v2.1.1 is 0.00006 in the European (Non-Finnish) population, which is lower than the ClinGen ACADVL Variant Curation Expert Panel threshold (<0.001) for PM2_Supporting, meeting this criterion. This variant occurs adjacent to the FAD binding pocket and is located on a loop that contributes to dimer formation (PM1; PMID: 20060901). The computational predictor REVEL gives a score of 0.982, which is above the threshold of 0.75, evidence that correlates with impact to ACADVL function (PP3). In summary, this variant meets the criteria to be classified as pathogenic for autosomal recessive VLCAD deficiency based on the ACMG/AMP criteria applied, as specified by the ClinGen ACADVL Variant Curation Expert Panel: PP4_Moderate, PM3_Strong, PM2_Supporting, PP3 (ACADVL specifications version 1; approved November 8, 2021)

Labcorp Genetics (formerly Invitae), Labcorp
Classification: Pathogenic for Very long chain acyl-CoA dehydrogenase deficiency. Last evaluated: 2025-12-08. Review status: criteria provided, single submitter. Criteria: Invitae Variant Classification Sherloc (09022015). Collection method: clinical testing. Allele origin: germline. Not counted in ClinVar's aggregate classification.
Comment: This sequence change replaces glycine, which is neutral and non-polar, with aspartic acid, which is acidic and polar, at codon 441 of the ACADVL protein (p.Gly441Asp). This variant is present in population databases (rs2309689, gnomAD 0.005%). This missense change has been observed in individual(s) with VLCAD deficiency (PMID: 8845838, 16443431, 17999356, 24305961). ClinVar contains an entry for this variant (Variation ID: 21016). Invitae Evidence Modeling of protein sequence and biophysical properties (such as structural, functional, and spatial information, amino acid conservation, physicochemical variation, residue mobility, and thermodynamic stability) indicates that this missense variant is expected to disrupt ACADVL protein function with a positive predictive value of 80%. For these reasons, this variant has been classified as Pathogenic.

Natera, Inc.
Classification: Pathogenic for Very long chain acyl-CoA dehydrogenase deficiency. Last evaluated: 2025-03-31. Review status: criteria provided, single submitter. Criteria: Natera Variant Classification Schema (03/2026). Collection method: clinical testing. Allele origin: germline. Not counted in ClinVar's aggregate classification.
Comment: The c.1322G>A variant in ACADVL is a missense variant predicted to cause substitution of glycine to aspartic acid at amino acid 441. This variant is rare in the general population with a frequency below the threshold expected for the associated phenotype(s). This variant has been observed in one or more individuals affected with the associated recessive disease, as either homozygous or compound heterozygous with a second variant (PMID: 28871440, 32061778, 24305961). Given the available evidence, this variant is classified as Pathogenic.

Baylor Genetics
Classification: Pathogenic for Very long chain acyl-CoA dehydrogenase deficiency. Last evaluated: 2024-02-13. Review status: criteria provided, single submitter. Criteria: ACMG Guidelines, 2015. Collection method: clinical testing. Allele origin: unknown. Not counted in ClinVar's aggregate classification.

ARUP Laboratories, Molecular Genetics and Genomics, ARUP Laboratories
Classification: Pathogenic for Very long chain acyl-CoA dehydrogenase deficiency. Last evaluated: 2023-12-26. Review status: criteria provided, single submitter. Criteria: ARUP Molecular Germline Variant Investigation Process 2024. Collection method: clinical testing. Allele origin: germline. Not counted in ClinVar's aggregate classification.
Comment: The ACADVL c.1322G>A; p.Gly441Asp variant (rs2309689) is reported in the literature in several compound heterozygous individuals and a homozygous individual affected with VLCAD deficiency (Andresen 1996, Diekman 2015, Gobin-Limballe 2010, Hesse 2018). This variant is also reported in ClinVar (Variation ID: 21016) and is found in the non-Finnish European population with an allele frequency of 0.006% (7/113,746 alleles) in the Genome Aggregation Database (v2.1.1). In vitro functional analyses of patient fibroblasts demonstrate <20% of wild type VLCAD enzyme activity (Diekman 2015, Gobin-Limballe 2010, Hesse 2018). Computational analyses predict that this variant is deleterious (REVEL: 0.982). Based on available information, this variant is considered to be pathogenic. References: Andresen BS et al. Cloning and characterization of human very-long-chain acyl-CoA dehydrogenase cDNA, chromosomal assignment of the gene and identification in four patients of nine different mutations within the VLCAD gene. Hum Mol Genet. 1996 Apr;5(4):461-72. PMID: 8845838. Diekman EF et al. Fatty acid oxidation flux predicts the clinical severity of VLCAD deficiency. Genet Med. 2015 Dec;17(12):989-94. PMID: 25834949. Gobin-Limballe S et al. Compared effects of missense mutations in Very-Long-Chain Acyl-CoA Dehydrogenase deficiency: Combined analysis by structural, functional and pharmacological approaches. Biochim Biophys Acta. 2010 May;1802(5):478-84. PMID: 20060901. Hesse J et al. The diagnostic challenge in very-long chain acyl-CoA dehydrogenase deficiency (VLCADD). J Inherit Metab Dis. 2018 Nov;41(6):1169-1178. PMID: 30194637.

Blueprint Genetics
Classification: Pathogenic for ACADVL-related disorders. Last evaluated: 2023-11-22. Review status: criteria provided, single submitter. Criteria: ACMG Guidelines, 2015. Collection method: clinical testing. Allele origin: germline. Affected: yes. Observed: 5 variant alleles. Not counted in ClinVar's aggregate classification.

Revvity Omics, Revvity
Classification: Pathogenic for Very long chain acyl-CoA dehydrogenase deficiency. Last evaluated: 2022-02-22. Review status: criteria provided, single submitter. Criteria: ACMG Guidelines, 2015. Collection method: clinical testing. Allele origin: germline. Not counted in ClinVar's aggregate classification.

Centre of Medical Genetics, University Hospital Muenster
Classification: Pathogenic for Very long chain acyl-CoA dehydrogenase deficiency. Last evaluated: 2022-02-03. Review status: criteria provided, single submitter. Criteria: ACMG Guidelines, 2015. Collection method: clinical testing. Allele origin: germline. Affected: yes. Observed: 1 variant allele, 1 heterozygote. Not counted in ClinVar's aggregate classification.
Comment: ACMG categories: PS3,PM1,PM2,PP3,PP5,BP1

Fulgent Genetics
Classification: Likely pathogenic for Very long chain acyl-CoA dehydrogenase deficiency. Last evaluated: 2021-09-05. Review status: criteria provided, single submitter. Criteria: ACMG Guidelines, 2015. Collection method: clinical testing. Allele origin: unknown. Not counted in ClinVar's aggregate classification.

Mayo Clinic Laboratories, Mayo Clinic
Classification: Pathogenic. Last evaluated: 2021-04-13. Review status: criteria provided, single submitter. Criteria: ACMG Guidelines, 2015. Collection method: clinical testing. Allele origin: germline. Not counted in ClinVar's aggregate classification.
Comment: PS3, PS4, PM2, PM3, PP4

GeneDx
Classification: Pathogenic. Last evaluated: 2019-11-13. Review status: criteria provided, single submitter. Criteria: GeneDx Variant Classification Process June 2021. Collection method: clinical testing. Allele origin: germline. Affected: yes. Not counted in ClinVar's aggregate classification.
Comment: Not observed at a significant frequency in large population cohorts (Lek et al., 2016); In silico analysis, which includes protein predictors and evolutionary conservation, supports a deleterious effect; This variant is associated with the following publications: (PMID: 8845838, 25525159, 16288870, 16443431, 31031081, 20060901, 17999356, 23867825, 16488171, 9546340, 26453363, 23757202, 27246109, 11158518, 20301763, 21378393)

Wong Mito Lab, Molecular and Human Genetics, Baylor College of Medicine
Classification: Pathogenic for Very long chain acyl-CoA dehydrogenase deficiency. Last evaluated: 2019-11-01. Review status: criteria provided, single submitter. Criteria: ACMG Guidelines, 2015. Collection method: clinical testing. Allele origin: germline. Not counted in ClinVar's aggregate classification.
Comment: The NM_000018.3:c.1322G>A (NP_000009.1:p.Gly441Asp) [GRCH38: NC_000017.11:g.7223865G>A] variant in ACADVL gene is interpretated to be Pathogenic based on ACMG guidelines (PMID: 25741868). This variant has been reported in PMID:17999356. This variant meets the following evidence codes reported in the ACMG guidelines: PS1, PS3